The following is an entry in ClinVar:

ClinVar aggregate classification (germline): Uncertain significance. Review status: criteria provided, multiple submitters, no conflicts (2 of 4 stars). 2 submissions from 2 submitters: Uncertain significance (2). Last evaluated 2024-06-03.

Allele frequency attached by ClinVar (database versions not stated): ExAC 0.00006; TOPMed 0.00008; gnomAD 0.00009; gnomAD exomes 0.00015.
gnomAD v4.1: 222 of 1,593,912 alleles (0.014%); highest among the groups gnomAD compares: Non-Finnish European, 0.018%; no homozygotes.

Submissions (2):

Labcorp Genetics (formerly Invitae), Labcorp
Classification: Uncertain significance. Last evaluated: 2024-06-03. Review status: criteria provided, single submitter. Criteria: Invitae Variant Classification Sherloc (09022015). Collection method: clinical testing. Allele origin: germline.
Comment: This sequence change replaces cysteine, which is neutral and slightly polar, with glycine, which is neutral and non-polar, at codon 621 of the BICC1 protein (p.Cys621Gly). This variant is present in population databases (rs745500584, gnomAD 0.01%). This variant has not been reported in the literature in individuals affected with BICC1-related conditions. ClinVar contains an entry for this variant (Variation ID: 2397836). Algorithms developed to predict the effect of missense changes on protein structure and function output the following: SIFT: "Not Available"; PolyPhen-2: "Benign"; Align-GVGD: "Not Available". The glycine amino acid residue is found in multiple mammalian species, which suggests that this missense change does not adversely affect protein function. In summary, the available evidence is currently insufficient to determine the role of this variant in disease. Therefore, it has been classified as a Variant of Uncertain Significance.

Ambry Genetics
Classification: Uncertain significance. Last evaluated: 2022-01-19. Review status: criteria provided, single submitter. Criteria: Ambry Variant Classification Scheme 2023. Collection method: clinical testing. Allele origin: germline.

NM_001080512.3(BICC1):c.1861T>G (p.Cys621Gly)

Gene: BICC1 (BicC family RNA binding protein 1; plus strand). Cytogenetic location: 10q21.1.
Variant type: single nucleotide variant.
Coding change: c.1861T>G on transcript NM_001080512.3 (MANE Select); coding-DNA position 1861, T replaced by G.
Protein change: p.Cys621Gly; replaces cysteine 621 with glycine.
Molecular consequence: missense variant.
Genome position (GRCh38, 1-based): chr10:58,800,892, T>G. VCF-style: chr10-58800892-T-G. GRCh37 (hg19) VCF-style: chr10-60560652-T-G.
Other names: c.1861T>G (NM_001080512.1); short protein forms C621G.
Identifiers: ClinVar variation 2397836 (VCV002397836.7), dbSNP rs745500584, ClinGen allele CA5508636.
Genomic context (GRCh38, chr10:58,800,892, plus strand): 5'-GTCAACTGGAAGGTGATGTTGTTTAGGTGTTTCACTTTTTTTTCCTTTTCCTCTGCAGGT[T>G]GTAATGATGCTTTTGTTGAAGTAGGCATGCCTCGAAGTCCTTCCCATTCTGGGAATGCTG-3'
Protein context (NP_001073981.1, residues 611-631): TSPKSSPTEG[Cys621Gly]NDAFVEVGMP